The following is an entry in ClinVar:

NM_020822.3(KCNT1):c.116C>T (p.Pro39Leu)

Gene: KCNT1 (potassium sodium-activated channel subfamily T member 1; plus strand). Cytogenetic location: 9q34.3.
Variant type: single nucleotide variant.
Coding change: c.116C>T on transcript NM_020822.3 (MANE Select); coding-DNA position 116, C replaced by T.
Protein change: p.Pro39Leu; replaces proline 39 with leucine.
Molecular consequence: missense variant. On other transcripts: intron variant (1).
Genome position (GRCh38, 1-based): chr9:135,714,582, C>T. VCF-style: chr9-135714582-C-T. GRCh37 (hg19) VCF-style: chr9-138606428-C-T.
Other names: p.Pro39Leu; c.110+12214C>T (NM_001272003.2); short protein forms P39L.
Identifiers: ClinVar variation 129351 (VCV000129351.54), dbSNP rs201051863, ClinGen allele CA201694.

ClinVar aggregate classification (germline): Benign/Likely benign. Review status: criteria provided, multiple submitters, no conflicts (2 of 4 stars). 10 submissions from 9 submitters: Benign (8); Likely benign (1). 1 of the submissions does not count toward it. Last evaluated 2026-09-01.

Conditions:
KCNT1-related disorder. Also called: KCNT1-related condition.
Inborn genetic diseases. Identifiers: MedGen C0950123, MeSH D030342.
Developmental and epileptic encephalopathy, 14 (DEE14). Also called: Early infantile epileptic encephalopathy 14. Identifiers: Orphanet 293181, MedGen C3554195, MONDO:0013989, OMIM 614959.
Autosomal dominant nocturnal frontal lobe epilepsy 5. Also called: Epilepsy, nocturnal frontal lobe, 5; CILIARY DYSKINESIA, PRIMARY, 28, WITHOUT SITUS INVERSUS; CILIARY DYSKINESIA, PRIMARY, 28, WITH SITUS INVERSUS; KCNT1-Related Epilepsy. Identifiers: Orphanet 98784, MedGen C3554306, MONDO:0014002, OMIM 615005.

Allele frequency attached by ClinVar (database versions not stated): 1000 Genomes Project 0.00160; 1000 Genomes Project 30x 0.00187; gnomAD 0.00375 and 0.00399; ESP Exome Variant Server 0.00377; TOPMed 0.00396; gnomAD exomes 0.00413 and 0.00572; ExAC 0.00977.
gnomAD v4.1: 7,467 of 1,355,446 alleles (0.55%); highest among the groups gnomAD compares: Non-Finnish European, 0.64%; 34 homozygotes.

Submissions (10):

CeGaT Center for Human Genetics Tuebingen
Classification: Likely benign. Last evaluated: 2026-09-01. Review status: criteria provided, single submitter. Criteria: CeGaT Center For Human Genetics Tuebingen Variant Classification Criteria Version 2. Collection method: clinical testing. Allele origin: germline. Affected: yes. Observed: 35 variant alleles.
Comment: KCNT1: BS2

Labcorp Genetics (formerly Invitae), Labcorp
Classification: Benign for Autosomal dominant nocturnal frontal lobe epilepsy 5; Developmental and epileptic encephalopathy, 14. Last evaluated: 2026-02-03. Review status: criteria provided, single submitter. Criteria: Invitae Variant Classification Sherloc (09022015). Collection method: clinical testing. Allele origin: germline.

Genome-Nilou Lab
Classification: Benign for Developmental and epileptic encephalopathy, 14. Last evaluated: 2022-03-15. Review status: criteria provided, single submitter. Criteria: ACMG Guidelines, 2015. Collection method: clinical testing. Allele origin: germline. Affected: no.

Genome-Nilou Lab
Classification: Benign for Autosomal dominant nocturnal frontal lobe epilepsy 5. Last evaluated: 2022-03-15. Review status: criteria provided, single submitter. Criteria: ACMG Guidelines, 2015. Collection method: clinical testing. Allele origin: germline. Affected: no.

Mayo Clinic Laboratories, Mayo Clinic
Classification: Benign. Last evaluated: 2021-06-24. Review status: criteria provided, single submitter. Criteria: ACMG Guidelines, 2015. Collection method: clinical testing. Allele origin: germline. Observed: 2 variant alleles.

Ambry Genetics
Classification: Benign for Inborn genetic diseases. Last evaluated: 2016-07-05. Review status: criteria provided, single submitter. Criteria: Ambry Variant Classification Scheme 2023. Collection method: clinical testing. Allele origin: germline.

Genetic Services Laboratory, University of Chicago
Classification: Benign. Last evaluated: 2016-06-07. Review status: criteria provided, single submitter. Criteria: ACMG Guidelines, 2015. Collection method: clinical testing. Allele origin: germline. Affected: no.

GeneDx
Classification: Benign. Last evaluated: 2016-02-11. Review status: criteria provided, single submitter. Criteria: GeneDx Variant Classification (06012015). Collection method: clinical testing. Allele origin: germline. Affected: yes.
Comment: This variant is considered likely benign or benign based on one or more of the following criteria: it is a conservative change, it occurs at a poorly conserved position in the protein, it is predicted to be benign by multiple in silico algorithms, and/or has population frequency not consistent with disease.

Eurofins Ntd Llc (ga)
Classification: Benign. Last evaluated: 2014-08-07. Review status: criteria provided, single submitter. Criteria: EGL Classification Definitions 2015. Collection method: clinical testing. Allele origin: germline.

PreventionGenetics, part of Exact Sciences
Classification: Benign for KCNT1-related condition. Last evaluated: 2024-09-03. Review status: no assertion criteria provided. Collection method: clinical testing. Allele origin: germline. Not counted in ClinVar's aggregate classification.
Comment: This variant is classified as benign based on ACMG/AMP sequence variant interpretation guidelines (Richards et al. 2015 PMID: 25741868, with internal and published modifications).